The following is an entry in ClinVar:

ClinVar aggregate classification (germline): Pathogenic. Review status: criteria provided, multiple submitters, no conflicts (2 of 4 stars). 3 submissions from 3 submitters: Pathogenic (2). 1 of the submissions does not count toward it. Last evaluated 2024-10-12.

Conditions:
Vitamin D-dependent rickets, type 1A. Also called: VITAMIN D HYDROXYLATION-DEFICIENT RICKETS, TYPE 1A; PDDR IA; PSEUDOVITAMIN D-DEFICIENCY RICKETS, TYPE IA. Identifiers: MedGen CN283242, MONDO:0020723, OMIM 264700.

Submissions (3):

Labcorp Genetics (formerly Invitae), Labcorp
Classification: Pathogenic. Last evaluated: 2024-10-12. Review status: criteria provided, single submitter. Criteria: Invitae Variant Classification Sherloc (09022015). Collection method: clinical testing. Allele origin: germline.
Comment: This sequence change creates a premature translational stop signal (p.Gln67Hisfs*266) in the CYP27B1 gene. It is expected to result in an absent or disrupted protein product. Loss-of-function variants in CYP27B1 are known to be pathogenic (PMID: 9837822, 17488797). Information on the frequency of this variant in the gnomAD database is not available, as this variant may be reported differently in the database. This premature translational stop signal has been observed in individual(s) with CYP27B1-related conditions (PMID: 12050193). This variant is also known as GGGCG897-901CTTCGG. For these reasons, this variant has been classified as Pathogenic.

Fulgent Genetics
Classification: Pathogenic for Vitamin D-dependent rickets, type 1A. Last evaluated: 2024-04-06. Review status: criteria provided, single submitter. Criteria: ACMG Guidelines, 2015. Collection method: clinical testing. Allele origin: germline.

OMIM
Classification: Pathogenic for VITAMIN D HYDROXYLATION-DEFICIENT RICKETS, TYPE 1A. Last evaluated: 2002-06-01. Review status: no assertion criteria provided. Collection method: literature only. Allele origin: germline. Not counted in ClinVar's aggregate classification.

Literature cited by the submitters: PubMed 9837822 (cited by Labcorp Genetics (formerly Invitae), Labcorp); PubMed 17488797 (cited by Labcorp Genetics (formerly Invitae), Labcorp); PubMed 12050193 (cited by Labcorp Genetics (formerly Invitae), Labcorp and OMIM).

NM_000785.4(CYP27B1):c.201_204delinsCTTCG (p.Gln67fs)

Gene: CYP27B1 (cytochrome P450 family 27 subfamily B member 1; minus strand). Cytogenetic location: 12q14.1.
Variant type: Indel.
Coding change: c.201_204delinsCTTCG on transcript NM_000785.4 (MANE Select); coding-DNA positions 201 to 204, GGGC replaced by CTTCG.
Protein change: p.Gln67fs; shifts the reading frame from glutamine 67.
Molecular consequence: frameshift variant.
Genome position (GRCh38, 1-based): chr12:57,766,189-57,766,192, GCCC replaced by CGAAG on the plus strand (GGGC replaced by CTTCG on the coding strand, the reverse complement: CYP27B1 is on the minus strand). VCF-style: chr12-57766189-GCCC-CGAAG. GRCh37 (hg19) VCF-style: chr12-58159972-GCCC-CGAAG.
Other names: short protein forms Q67fs.
Identifiers: ClinVar variation 1670 (VCV000001670.6), dbSNP rs2140397731, ClinGen allele CA2580086713.